The following is an entry in ClinVar:

NM_152866.3(MS4A1):c.822A>C (p.Glu274Asp)

Gene: MS4A1 (membrane spanning 4-domains A1; plus strand). Cytogenetic location: 11q12.2.
Variant type: single nucleotide variant.
Coding change: c.822A>C on transcript NM_152866.3 (MANE Select); coding-DNA position 822, A replaced by C.
Protein change: p.Glu274Asp; replaces glutamic acid 274 with aspartic acid.
Molecular consequence: missense variant.
Genome position (GRCh38, 1-based): chr11:60,468,396, A>C. VCF-style: chr11-60468396-A-C. GRCh37 (hg19) VCF-style: chr11-60235869-A-C.
Other names: c.822A>C, p.Glu274Asp (NM_021950.4, NM_152867.2); short protein forms E274D.
Identifiers: ClinVar variation 2834317 (VCV002834317.3), dbSNP rs2495418966, ClinGen allele CA380601161.

ClinVar aggregate classification (germline): Uncertain significance (1 of 4 stars; one submission).

Allele frequency attached by ClinVar (database versions not stated): gnomAD exomes below 0.00001.
gnomAD v4.1: 1 of 1,614,192 alleles (0.000062%); highest among the groups gnomAD compares: South Asian, 0.0011%; no homozygotes.

Submission:

Labcorp Genetics (formerly Invitae), Labcorp
Classification: Uncertain significance. Last evaluated: 2023-02-03. Review status: criteria provided, single submitter. Criteria: Invitae Variant Classification Sherloc (09022015). Collection method: clinical testing. Allele origin: germline.
Comment: In summary, the available evidence is currently insufficient to determine the role of this variant in disease. Therefore, it has been classified as a Variant of Uncertain Significance. Algorithms developed to predict the effect of missense changes on protein structure and function are either unavailable or do not agree on the potential impact of this missense change (SIFT: "Tolerated"; PolyPhen-2: "Possibly Damaging"; Align-GVGD: "Class C0"). This variant has not been reported in the literature in individuals affected with MS4A1-related conditions. This variant is not present in population databases (gnomAD no frequency). This sequence change replaces glutamic acid, which is acidic and polar, with aspartic acid, which is acidic and polar, at codon 274 of the MS4A1 protein (p.Glu274Asp).